The following is an entry in ClinVar:

ClinVar aggregate classification (germline): Uncertain significance. Review status: criteria provided, multiple submitters, no conflicts (2 of 4 stars). 3 submissions from 3 submitters: Uncertain significance (3). Last evaluated 2023-09-01.

Conditions:
Muscular dystrophy-dystroglycanopathy (congenital with brain and eye anomalies), type a, 8 (MDDGA8). Also called: WALKER-WARBURG SYNDROME OR MUSCLE-EYE-BRAIN DISEASE, GTDC2-RELATED. Identifiers: Orphanet 899, MedGen C3553813, MONDO:0013904, OMIM 614830.

Allele frequency attached by ClinVar (database versions not stated): ExAC 0.00007; gnomAD 0.00002; TOPMed 0.00005; gnomAD exomes 0.00006 and 0.00001.

Submissions (3):

Revvity Omics, Revvity
Classification: Uncertain significance. Last evaluated: 2023-09-01. Review status: criteria provided, single submitter. Criteria: ACMG Guidelines, 2015. Collection method: clinical testing. Allele origin: germline.

Labcorp Genetics (formerly Invitae), Labcorp
Classification: Uncertain significance for Muscular dystrophy-dystroglycanopathy (congenital with brain and eye anomalies), type a, 8. Last evaluated: 2023-08-04. Review status: criteria provided, single submitter. Criteria: Invitae Variant Classification Sherloc (09022015). Collection method: clinical testing. Allele origin: germline.
Comment: In summary, the available evidence is currently insufficient to determine the role of this variant in disease. Therefore, it has been classified as a Variant of Uncertain Significance. Advanced modeling of protein sequence and biophysical properties (such as structural, functional, and spatial information, amino acid conservation, physicochemical variation, residue mobility, and thermodynamic stability) performed at Invitae indicates that this missense variant is not expected to disrupt POMGNT2 protein function. ClinVar contains an entry for this variant (Variation ID: 436366). This variant has not been reported in the literature in individuals affected with POMGNT2-related conditions. This variant is present in population databases (rs754794110, gnomAD 0.07%). This sequence change replaces glutamic acid, which is acidic and polar, with lysine, which is basic and polar, at codon 399 of the POMGNT2 protein (p.Glu399Lys).

Genetic Services Laboratory, University of Chicago
Classification: Uncertain significance. Last evaluated: 2016-01-04. Review status: criteria provided, single submitter. Criteria: ACMG Guidelines, 2015. Collection method: clinical testing. Allele origin: germline. Affected: no.

NM_032806.6(POMGNT2):c.1195G>A (p.Glu399Lys)

Gene: POMGNT2 (protein O-linked mannose N-acetylglucosaminyltransferase 2 (beta 1,4-); minus strand). Cytogenetic location: 3p22.1.
Variant type: single nucleotide variant.
Coding change: c.1195G>A on transcript NM_032806.6 (MANE Select); coding-DNA position 1195, G replaced by A.
Protein change: p.Glu399Lys; replaces glutamic acid 399 with lysine.
Molecular consequence: missense variant.
Genome position (GRCh38, 1-based): chr3:43,080,237, C>T on the plus strand (G>A on the coding strand, the complement: POMGNT2 is on the minus strand). VCF-style: chr3-43080237-C-T. GRCh37 (hg19) VCF-style: chr3-43121729-C-T.
Other names: short protein forms E399K.
Identifiers: ClinVar variation 436366 (VCV000436366.11), dbSNP rs754794110, ClinGen allele CA2339904.